The following is an entry in ClinVar:

NM_000399.5(EGR2):c.246C>G (p.Val82=)

Gene: EGR2 (early growth response 2; minus strand). Cytogenetic location: 10q21.3.
Variant type: single nucleotide variant.
Coding change: c.246C>G on transcript NM_000399.5 (MANE Select); coding-DNA position 246, C replaced by G.
Protein change: p.Val82=; no amino-acid change (valine 82 retained).
Molecular consequence: synonymous variant.
Genome position (GRCh38, 1-based): chr10:62,814,392, G>C on the plus strand (C>G on the coding strand, the complement: EGR2 is on the minus strand). VCF-style: chr10-62814392-G-C. GRCh37 (hg19) VCF-style: chr10-64574152-G-C.
Other names: p.Val82=; c.246C>G (NM_000399.4); c.246C>G, p.Val82= (NM_001136177.3, NM_001136178.2); c.96C>G, p.Val32= (NM_001136179.3, NM_001321037.2).
Identifiers: ClinVar variation 300279 (VCV000300279.28), dbSNP rs144217451, ClinGen allele CA5517297.

ClinVar aggregate classification (germline): Benign/Likely benign. Review status: criteria provided, multiple submitters, no conflicts (2 of 4 stars). 8 submissions from 8 submitters: Benign (1); Likely benign (7). Last evaluated 2025-07-16.

Conditions:
Charcot-Marie-Tooth disease. Also called: Charcot-Marie-Tooth Hereditary Neuropathy; Charcot-Marie-Tooth Neuropathy. Identifiers: Orphanet 166, MedGen C0007959, MONDO:0015626.
Charcot-Marie-Tooth disease type 1D. Also called: CHARCOT-MARIE-TOOTH NEUROPATHY, TYPE 1D; Charcot-Marie-Tooth disease, demyelinating, type 1d; HEREDITARY MOTOR AND SENSORY NEUROPATHY 1D; HMSN ID. Identifiers: Orphanet 101084, MedGen C1843247, MONDO:0011890, OMIM 607678.
EGR2-related disorder. Also called: EGR2-related condition.
Inborn genetic diseases. Identifiers: MedGen C0950123, MeSH D030342.
Charcot-Marie-Tooth disease, type I (CMT1). Also called: Charcot-Marie-Tooth, Type 1; Charcot-Marie-Tooth disease type 1. Identifiers: Orphanet 65753, MedGen C0751036, MONDO:0019011.

Allele frequency attached by ClinVar (database versions not stated): ExAC 0.00021; 1000 Genomes Project 30x 0.00047; 1000 Genomes Project 0.00060; gnomAD 0.00074 and 0.00078; TOPMed 0.00079; ESP Exome Variant Server 0.00085.
gnomAD v4.1: 219 of 1,614,186 alleles (0.014%); highest among the groups gnomAD compares: African/African-American, 0.26%; no homozygotes.

Submissions (8):

PreventionGenetics, part of Exact Sciences
Classification: Likely benign for EGR2-related condition. Last evaluated: 2025-07-16. Review status: criteria provided, single submitter. Criteria: ACMG Guidelines, 2015. Collection method: clinical testing. Allele origin: germline.
Comment: This variant is classified as likely benign based on ACMG/AMP sequence variant interpretation guidelines (Richards et al. 2015 PMID: 25741868, with internal and published modifications).

Labcorp Genetics (formerly Invitae), Labcorp
Classification: Benign for Charcot-Marie-Tooth disease, type I. Last evaluated: 2025-06-24. Review status: criteria provided, single submitter. Criteria: Invitae Variant Classification Sherloc (09022015). Collection method: clinical testing. Allele origin: germline.

Mayo Clinic Laboratories, Mayo Clinic
Classification: Likely benign. Last evaluated: 2025-05-12. Review status: criteria provided, single submitter. Criteria: ACMG Guidelines, 2015. Collection method: clinical testing. Allele origin: germline. Observed: 1 variant allele.
Comment: BS1, BP4, BP7

GeneDx
Classification: Likely benign. Last evaluated: 2019-11-08. Review status: criteria provided, single submitter. Criteria: GeneDx Variant Classification Process June 2021. Collection method: clinical testing. Allele origin: germline. Affected: yes.

ARUP Laboratories, Molecular Genetics and Genomics, ARUP Laboratories
Classification: Likely benign. Last evaluated: 2019-07-25. Review status: criteria provided, single submitter. Criteria: ARUP Molecular Germline Variant Investigation Process. Collection method: clinical testing. Allele origin: germline.

Ambry Genetics
Classification: Likely benign for Inborn genetic diseases. Last evaluated: 2019-07-11. Review status: criteria provided, single submitter. Criteria: Ambry Variant Classification Scheme 2023. Collection method: clinical testing. Allele origin: germline.

Illumina Laboratory Services, Illumina
Classification: Likely benign for Charcot-Marie-Tooth disease type 1D. Last evaluated: 2018-01-12. Review status: criteria provided, single submitter. Criteria: ICSL Variant Classification Criteria 13 December 2019. Collection method: clinical testing. Allele origin: germline.
Comment: This variant was observed in the ICSL laboratory as part of a predisposition screen in an ostensibly healthy population. It had not been previously curated by ICSL or reported in the Human Gene Mutation Database (HGMD: prior to June 1st, 2018), and was therefore a candidate for classification through an automated scoring system. Utilizing variant allele frequency, disease prevalence and penetrance estimates, and inheritance mode, an automated score was calculated to assess if this variant is too frequent to cause the disease. Based on the score and internal cut-off values, a variant classified as likely benign is not then subjected to further curation. The score for this variant resulted in a classification of likely benign for this disease.

Molecular Genetics Laboratory, London Health Sciences Centre
Classification: Likely benign for Charcot-Marie-Tooth disease. Review status: criteria provided, single submitter. Criteria: ACMG Guidelines, 2015. Collection method: clinical testing. Allele origin: germline. Affected: yes.